The following is an entry in ClinVar:

ClinVar aggregate classification (germline): Uncertain significance (1 of 4 stars; one submission).

Conditions:
Malignant hyperthermia, susceptibility to, 1 (MHS1). Also called: Anesthesia related hyperthermia; Malignant hyperpyrexia; Fulminating hyperpyrexia; Pharmacogenic myopathy; Malignant hyperthermia suceptibility 1; RYR1-Related Malignant Hyperthermia Susceptibility. Identifiers: Orphanet 423, MedGen C2930980, MONDO:0007783, OMIM 145600.

Submission:

All of Us Research Program, National Institutes of Health
Classification: Uncertain significance for Malignant hyperthermia, susceptibility to, 1. Last evaluated: 2024-07-20. Review status: criteria provided, single submitter. Criteria: ACMG Guidelines, 2015. Collection method: clinical testing. Allele origin: germline. Inheritance: Autosomal dominant inheritance. Observed: 1 variant allele, 1 heterozygote.
Comment: This missense variant replaces serine with phenylalanine at codon 2753 of the RYR1 protein. Computational prediction suggests that this variant may not impact protein structure and function (internally defined REVEL score threshold <= 0.5, PMID: 27666373). To our knowledge, functional studies have not been reported for this variant. This variant has not been reported in individuals affected with RYR1-related disorders in the literature. This variant has not been identified in the general population by the Genome Aggregation Database (gnomAD). The available evidence is insufficient to determine the role of this variant in disease conclusively. Therefore, this variant is classified as a Variant of Uncertain Significance.

This study involves interpretation of variants in research participants for the purpose of population health screening. Participant phenotype was not available at the time of variant classification. Additional details can be found in publication PMID: 35346344, PMCID: PMC8962531

NM_000540.3(RYR1):c.8258C>T (p.Ser2753Phe)

Gene: RYR1 (ryanodine receptor 1; plus strand). Cytogenetic location: 19q13.2.
Variant type: single nucleotide variant.
Coding change: c.8258C>T on transcript NM_000540.3 (MANE Select); coding-DNA position 8258, C replaced by T.
Protein change: p.Ser2753Phe; replaces serine 2753 with phenylalanine.
Molecular consequence: missense variant.
Genome position (GRCh38, 1-based): chr19:38,505,029, C>T. VCF-style: chr19-38505029-C-T. GRCh37 (hg19) VCF-style: chr19-38995669-C-T.
Other names: c.8258C>T, p.Ser2753Phe (NM_001042723.2); short protein forms S2753F.
Identifiers: ClinVar variation 3385469 (VCV003385469.1).